The following is an entry in ClinVar:

ClinVar aggregate classification (germline): Uncertain significance (1 of 4 stars; one submission).

gnomAD v4.1: 1 of 1,611,752 alleles (0.000062%); highest among the groups gnomAD compares: African/African-American, 0.0013%; no homozygotes.

Submission:

Labcorp Genetics (formerly Invitae), Labcorp
Classification: Uncertain significance. Last evaluated: 2022-03-19. Review status: criteria provided, single submitter. Criteria: Invitae Variant Classification Sherloc (09022015). Collection method: clinical testing. Allele origin: germline.
Comment: In summary, the available evidence is currently insufficient to determine the role of this variant in disease. Therefore, it has been classified as a Variant of Uncertain Significance. Algorithms developed to predict the effect of missense changes on protein structure and function (SIFT, PolyPhen-2, Align-GVGD) all suggest that this variant is likely to be disruptive. This missense change has been observed in individual(s) with autosomal dominant retinitis pigmentosa (Invitae). This variant is not present in population databases (gnomAD no frequency). This sequence change replaces serine, which is neutral and polar, with isoleucine, which is neutral and non-polar, at codon 130 of the RP1 protein (p.Ser130Ile).

NM_006269.2(RP1):c.389G>T (p.Ser130Ile)

Gene: RP1 (RP1 axonemal microtubule associated; plus strand). Cytogenetic location: 8q12.1.
Variant type: single nucleotide variant.
Coding change: c.389G>T on transcript NM_006269.2 (MANE Select); coding-DNA position 389, G replaced by T.
Protein change: p.Ser130Ile; replaces serine 130 with isoleucine.
Molecular consequence: missense variant.
Genome position (GRCh38, 1-based): chr8:54,621,355, G>T. VCF-style: chr8-54621355-G-T. GRCh37 (hg19) VCF-style: chr8-55533915-G-T.
Other names: c.389G>T, p.Ser130Ile (NM_001375654.1); short protein forms S130I.
Identifiers: ClinVar variation 2114310 (VCV002114310.4), dbSNP rs1430818681, ClinGen allele CA370986565.
Genomic context (GRCh38, chr8:54,621,355, plus strand): 5'-GGAAGGTGCAGCCTGTAGACCTGGACAAAGCCCGTCGGCGCCCGCGGCCCTGGCTCAGCA[G>T]CCGGGCCATTAGCGCGCACTCACCGCCCCACCCCGTAGCCGTCGCTGCTCCCGGCATGCC-3'
Protein context (NP_006260.1, residues 120-140): ARRRPRPWLS[Ser130Ile]RAISAHSPPH